The following is an entry in ClinVar:

NM_005263.5(GFI1):c.1010C>T (p.Thr337Ile)

Gene: GFI1 (growth factor independent 1 transcriptional repressor; minus strand). Cytogenetic location: 1p22.1.
Variant type: single nucleotide variant.
Coding change: c.1010C>T on transcript NM_005263.5 (MANE Select); coding-DNA position 1010, C replaced by T.
Protein change: p.Thr337Ile; replaces threonine 337 with isoleucine.
Molecular consequence: missense variant.
Genome position (GRCh38, 1-based): chr1:92,478,668, G>A on the plus strand (C>T on the coding strand, the complement: GFI1 is on the minus strand). VCF-style: chr1-92478668-G-A. GRCh37 (hg19) VCF-style: chr1-92944225-G-A.
Other names: c.1010C>T, p.Thr337Ile (NM_001127215.3, NM_001127216.3); short protein forms T337I.
Identifiers: ClinVar variation 4671571 (VCV004671571.1).
Genomic context (GRCh38, chr1:92,478,668, plus strand): 5'-TTCTTCATGTCTGACTTCTGGTGGAACCTCTTGCCACAGTACTGACAGGGGTAGGGCCGA[G>A]TGTCTGAGTGGATAAGCAGGTGTGTGGACAGTGTGGATGACCTCTTGAAGCTCTTCCCAC-3'
Protein context (NP_005254.2, residues 327-347): LSTHLLIHSD[Thr337Ile]RPYPCQYCGK

ClinVar aggregate classification (germline): Uncertain significance (1 of 4 stars; one submission).

gnomAD v4.1: 1 of 1,614,036 alleles (0.000062%); highest among the groups gnomAD compares: Non-Finnish European, 0.000085%; no homozygotes.

Submission:

Ambry Genetics
Classification: Uncertain significance. Last evaluated: 2025-10-13. Review status: criteria provided, single submitter. Criteria: Ambry Variant Classification Scheme 2023. Collection method: clinical testing. Allele origin: germline.
Comment: The p.T337I variant (also known as c.1010C>T), located in coding exon 5 of the GFI1 gene, results from a C to T substitution at nucleotide position 1010. The threonine at codon 337 is replaced by isoleucine, an amino acid with similar properties. This amino acid position is conserved. In addition, this alteration is predicted to be tolerated by in silico analysis. Based on the available evidence, the clinical significance of this variant remains unclear.